The following is an entry in ClinVar:

ClinVar aggregate classification (germline): Uncertain significance. Review status: criteria provided, multiple submitters, no conflicts (2 of 4 stars). 2 submissions from 2 submitters: Uncertain significance (2). Last evaluated 2024-11-10.

Conditions:
Inborn genetic diseases. Identifiers: MedGen C0950123, MeSH D030342.
Developmental and epileptic encephalopathy, 53. Also called: Epileptic encephalopathy, early infantile, 53. Identifiers: MedGen C4479313, MONDO:0033362, OMIM 617389.
Early-onset Parkinson disease 20. Also called: PARKINSON DISEASE 20, AUTOSOMAL RECESSIVE EARLY-ONSET. Identifiers: Orphanet 391411, MedGen C3809824, MONDO:0014233, OMIM 615530.

Allele frequency attached by ClinVar (database versions not stated): gnomAD exomes 0.00001; ExAC 0.00002; gnomAD 0.00002.
gnomAD v4.1: 22 of 1,613,756 alleles (0.0014%); highest among the groups gnomAD compares: Admixed American, 0.0017%; no homozygotes.

Submissions (2):

Ambry Genetics
Classification: Uncertain significance for Inborn genetic diseases. Last evaluated: 2024-11-10. Review status: criteria provided, single submitter. Criteria: Ambry Variant Classification Scheme 2023. Collection method: clinical testing. Allele origin: germline.

Labcorp Genetics (formerly Invitae), Labcorp
Classification: Uncertain significance for Developmental and epileptic encephalopathy, 53; Early-onset Parkinson disease 20. Last evaluated: 2022-05-10. Review status: criteria provided, single submitter. Criteria: Invitae Variant Classification Sherloc (09022015). Collection method: clinical testing. Allele origin: germline.
Comment: This sequence change replaces alanine, which is neutral and non-polar, with proline, which is neutral and non-polar, at codon 1223 of the SYNJ1 protein (p.Ala1223Pro). This variant is present in population databases (rs772565258, gnomAD 0.002%). This variant has not been reported in the literature in individuals affected with SYNJ1-related conditions. Algorithms developed to predict the effect of missense changes on protein structure and function output the following: SIFT: "Tolerated"; PolyPhen-2: "Benign"; Align-GVGD: "Class C0". The proline amino acid residue is found in multiple mammalian species, which suggests that this missense change does not adversely affect protein function. In summary, the available evidence is currently insufficient to determine the role of this variant in disease. Therefore, it has been classified as a Variant of Uncertain Significance.

NM_203446.3(SYNJ1):c.3550G>C (p.Ala1184Pro)

Gene: SYNJ1 (synaptojanin 1; minus strand). Cytogenetic location: 21q22.11.
Variant type: single nucleotide variant.
Coding change: c.3550G>C on transcript NM_203446.3 (MANE Select); coding-DNA position 3550, G replaced by C.
Protein change: p.Ala1184Pro; replaces alanine 1184 with proline.
Molecular consequence: missense variant.
Genome position (GRCh38, 1-based): chr21:32,641,934, C>G on the plus strand (G>C on the coding strand, the complement: SYNJ1 is on the minus strand). VCF-style: chr21-32641934-C-G. GRCh37 (hg19) VCF-style: chr21-34014244-C-G.
Other names: c.3502G>C, p.Ala1168Pro (NM_001160302.2); c.3409G>C, p.Ala1137Pro (NM_001160306.2); c.3667G>C, p.Ala1223Pro (NM_003895.4); short protein forms A1137P, A1184P, A1223P, A1168P.
Identifiers: ClinVar variation 1486891 (VCV001486891.6), dbSNP rs772565258, ClinGen allele CA10003348.